The following is an entry in ClinVar:

ClinVar aggregate classification (germline): Conflicting classifications of pathogenicity. Review status: criteria provided, conflicting classifications (1 of 4 stars). 4 submissions from 4 submitters: Uncertain significance (3); Likely benign (1). Last evaluated 2024-10-11.

Conditions:
Cardiovascular phenotype. Identifiers: MedGen CN230736.
Catecholaminergic polymorphic ventricular tachycardia 1. Also called: RYR2-Related Catecholaminergic Polymorphic Ventricular Tachycardia; VENTRICULAR TACHYCARDIA, CATECHOLAMINERGIC POLYMORPHIC, 1, WITH OR WITHOUT ATRIAL DYSFUNCTION AND/OR DILATED CARDIOMYOPATHY; VENTRICULAR TACHYCARDIA, STRESS-INDUCED POLYMORPHIC 1. Identifiers: Orphanet 3286, MedGen C1631597, MONDO:0011484, OMIM 604772.

Allele frequency attached by ClinVar (database versions not stated): gnomAD exomes 0.00001; gnomAD 0.00002; TOPMed 0.00003.
gnomAD v4.1: 63 of 1,611,616 alleles (0.0039%); highest among the groups gnomAD compares: Non-Finnish European, 0.0052%; no homozygotes.

Submissions (4):

Ambry Genetics
Classification: Likely benign for Cardiovascular phenotype. Last evaluated: 2024-10-11. Review status: criteria provided, single submitter. Criteria: Ambry Variant Classification Scheme 2023. Collection method: clinical testing. Allele origin: germline.

Women's Health and Genetics/Laboratory Corporation of America, LabCorp
Classification: Uncertain significance. Last evaluated: 2024-04-21. Review status: criteria provided, single submitter. Criteria: LabCorp Variant Classification Summary - May 2015. Collection method: clinical testing. Allele origin: germline.

Labcorp Genetics (formerly Invitae), Labcorp
Classification: Uncertain significance for Catecholaminergic polymorphic ventricular tachycardia 1. Last evaluated: 2022-06-18. Review status: criteria provided, single submitter. Criteria: Invitae Variant Classification Sherloc (09022015). Collection method: clinical testing. Allele origin: germline.
Comment: This sequence change replaces proline, which is neutral and non-polar, with alanine, which is neutral and non-polar, at codon 722 of the TRDN protein (p.Pro722Ala). This variant is present in population databases (rs774449661, gnomAD 0.002%). This variant has not been reported in the literature in individuals affected with TRDN-related conditions. ClinVar contains an entry for this variant (Variation ID: 659814). Algorithms developed to predict the effect of missense changes on protein structure and function output the following: SIFT: "Deleterious"; PolyPhen-2: "Possibly Damaging"; Align-GVGD: "Class C0". The alanine amino acid residue is found in multiple mammalian species, which suggests that this missense change does not adversely affect protein function. In summary, the available evidence is currently insufficient to determine the role of this variant in disease. Therefore, it has been classified as a Variant of Uncertain Significance.

GeneDx
Classification: Uncertain significance. Last evaluated: 2021-09-24. Review status: criteria provided, single submitter. Criteria: GeneDx Variant Classification Process June 2021. Collection method: clinical testing. Allele origin: germline. Affected: yes.
Comment: Has not been previously published as pathogenic or benign to our knowledge; Not observed at significant frequency in large population cohorts (Lek et al., 2016); In silico analysis supports that this missense variant does not alter protein structure/function; This variant is associated with the following publications: (PMID: 26582918)

NM_006073.4(TRDN):c.2164C>G (p.Pro722Ala)

Gene: TRDN (triadin; minus strand). Cytogenetic location: 6q22.31.
Variant type: single nucleotide variant.
Coding change: c.2164C>G on transcript NM_006073.4 (MANE Select); coding-DNA position 2164, C replaced by G.
Protein change: p.Pro722Ala; replaces proline 722 with alanine.
Molecular consequence: missense variant.
Genome position (GRCh38, 1-based): chr6:123,218,627, G>C on the plus strand (C>G on the coding strand, the complement: TRDN is on the minus strand). VCF-style: chr6-123218627-G-C. GRCh37 (hg19) VCF-style: chr6-123539772-G-C.
Other names: short protein forms P722A.
Identifiers: ClinVar variation 659814 (VCV000659814.13), dbSNP rs774449661, ClinGen allele CA147201579.